The following is an entry in ClinVar:

NM_000051.4(ATM):c.3635_3646del (p.Ser1212_Asp1215del)

Gene: ATM (ATM serine/threonine kinase; plus strand). Cytogenetic location: 11q22.3.
Variant type: Deletion.
Coding change: c.3635_3646del on transcript NM_000051.4 (MANE Select); coding-DNA positions 3635 to 3646, 12 bases deleted (CTCATTTAGATT).
Protein change: p.Ser1212_Asp1215del.
Molecular consequence: inframe deletion.
Genome position (GRCh38, 1-based): chr11:108,282,768-108,282,779, CTCATTTAGATT deleted; deleting any 12 consecutive bases within chr11:108,282,767-108,282,779 gives the same sequence; the c. name uses the placement nearest the transcript's 3' end. VCF-style (leftmost placement, unchanged base first): chr11-108282766-ATCTCATTTAGAT-A. GRCh37 (hg19) VCF-style: chr11-108153493-ATCTCATTTAGAT-A.
Other names: c.3635_3646delCTCATTTAGATT (NM_000051.3); c.3635_3646del, p.Ser1212_Asp1215del (NM_001351834.2); c.3635_3646del (NM_000051.3).
Identifiers: ClinVar variation 422339 (VCV000422339.5), dbSNP rs1064795717, ClinGen allele CA16619163.
Genomic context (GRCh38, chr11:108,282,766, plus strand): 5'-GCAGGTTTTAGAGAAAGTTTCTGAAACTTTTGGATATAGACGTTTAGAAGACTTTATGGC[ATCTCATTTAGAT>A]TATCTGGTTTTGGAATGGCTAAATCTTCAAGATACTGAATACAACTTATCTTCTTTTCCT-3'

ClinVar aggregate classification (germline): Uncertain significance. Review status: criteria provided, multiple submitters, no conflicts (2 of 4 stars). 2 submissions from 2 submitters: Uncertain significance (2). Last evaluated 2024-03-27.

Conditions:
Ataxia-telangiectasia syndrome (AT). Also called: Ataxia-telangiectasia, complementation group D; Cerebello-oculocutaneous telangiectasia; Immunodeficiency with ataxia telangiectasia; ATAXIA-TELANGIECTASIA, COMPLEMENTATION GROUP A; ATAXIA-TELANGIECTASIA, FRESNO VARIANT; LOUIS-BAR SYNDROME. Identifiers: Orphanet 100, MedGen C0004135, MONDO:0008840, OMIM 208900.

Submissions (2):

Labcorp Genetics (formerly Invitae), Labcorp
Classification: Uncertain significance for Ataxia-telangiectasia syndrome. Last evaluated: 2024-03-27. Review status: criteria provided, single submitter. Criteria: Invitae Variant Classification Sherloc (09022015). Collection method: clinical testing. Allele origin: germline.
Comment: This variant, c.3635_3646del, results in the deletion of 4 amino acid(s) of the ATM protein (p.Ser1212_Asp1215del), but otherwise preserves the integrity of the reading frame. This variant is not present in population databases (gnomAD no frequency). This variant has not been reported in the literature in individuals affected with ATM-related conditions. ClinVar contains an entry for this variant (Variation ID: 422339). Experimental studies and prediction algorithms are not available or were not evaluated, and the functional significance of this variant is currently unknown. In summary, the available evidence is currently insufficient to determine the role of this variant in disease. Therefore, it has been classified as a Variant of Uncertain Significance.

GeneDx
Classification: Uncertain significance. Last evaluated: 2024-03-26. Review status: criteria provided, single submitter. Criteria: GeneDx Variant Classification Process June 2021. Collection method: clinical testing. Allele origin: germline. Affected: yes.
Comment: Not observed at significant frequency in large population cohorts (gnomAD); In-frame deletion of 4 amino acids in a non-repeat region; In silico analysis supports a deleterious effect on protein structure/function; Has not been previously published as pathogenic or benign to our knowledge; This variant is associated with the following publications: (PMID: 19781682)